The following is an entry in ClinVar:

ClinVar aggregate classification (germline): Uncertain significance. Review status: criteria provided, multiple submitters, no conflicts (2 of 4 stars). 2 submissions from 2 submitters: Uncertain significance (2). Last evaluated 2025-02-06.

Conditions:
Inborn genetic diseases. Identifiers: MedGen C0950123, MeSH D030342.

Allele frequency attached by ClinVar (database versions not stated): TOPMed 0.00003; gnomAD exomes below 0.00001; gnomAD 0.00007; ExAC 0.00002.
gnomAD v4.1: 15 of 1,600,708 alleles (0.00094%); highest among the groups gnomAD compares: African/African-American, 0.02%; no homozygotes.

Submissions (2):

Labcorp Genetics (formerly Invitae), Labcorp
Classification: Uncertain significance. Last evaluated: 2025-02-06. Review status: criteria provided, single submitter. Criteria: Invitae Variant Classification Sherloc (09022015). Collection method: clinical testing. Allele origin: germline.
Comment: This sequence change replaces isoleucine, which is neutral and non-polar, with methionine, which is neutral and non-polar, at codon 1123 of the MYH3 protein (p.Ile1123Met). This variant is present in population databases (rs769878715, gnomAD 0.02%). This variant has not been reported in the literature in individuals affected with MYH3-related conditions. ClinVar contains an entry for this variant (Variation ID: 2782545). Invitae Evidence Modeling of protein sequence and biophysical properties (such as structural, functional, and spatial information, amino acid conservation, physicochemical variation, residue mobility, and thermodynamic stability) indicates that this missense variant is not expected to disrupt MYH3 protein function with a negative predictive value of 95%. In summary, the available evidence is currently insufficient to determine the role of this variant in disease. Therefore, it has been classified as a Variant of Uncertain Significance.

Ambry Genetics
Classification: Uncertain significance for Inborn genetic diseases. Last evaluated: 2023-09-26. Review status: criteria provided, single submitter. Criteria: Ambry Variant Classification Scheme 2023. Collection method: clinical testing. Allele origin: germline.

NM_002470.4(MYH3):c.3369A>G (p.Ile1123Met)

Gene: MYH3 (myosin heavy chain 3; minus strand). Cytogenetic location: 17p13.1.
Variant type: single nucleotide variant.
Coding change: c.3369A>G on transcript NM_002470.4 (MANE Select); coding-DNA position 3369, A replaced by G.
Protein change: p.Ile1123Met; replaces isoleucine 1123 with methionine.
Molecular consequence: missense variant.
Genome position (GRCh38, 1-based): chr17:10,638,403, T>C on the plus strand (A>G on the coding strand, the complement: MYH3 is on the minus strand). VCF-style: chr17-10638403-T-C. GRCh37 (hg19) VCF-style: chr17-10541720-T-C.
Other names: c.3369A>G (NM_002470.3); short protein forms I1123M.
Identifiers: ClinVar variation 2782545 (VCV002782545.4), dbSNP rs769878715, ClinGen allele CA8392540.